The following is an entry in ClinVar:

NM_025233.7(COASY):c.1372C>T (p.Arg458Trp)

Gene: COASY (Coenzyme A synthase; plus strand). Cytogenetic location: 17q21.2.
Variant type: single nucleotide variant.
Coding change: c.1372C>T on transcript NM_025233.7 (MANE Select); coding-DNA position 1372, C replaced by T.
Protein change: p.Arg458Trp; replaces arginine 458 with tryptophan.
Molecular consequence: missense variant.
Genome position (GRCh38, 1-based): chr17:42,565,296, C>T. VCF-style: chr17-42565296-C-T. GRCh37 (hg19) VCF-style: chr17-40717314-C-T.
Other names: c.1372C>T, p.Arg458Trp (NM_001042529.3); c.1459C>T, p.Arg487Trp (NM_001042532.4); short protein forms R458W, R487W.
Identifiers: ClinVar variation 1304348 (VCV001304348.6), dbSNP rs745865351, ClinGen allele CA8578296.
Genomic context (GRCh38, chr17:42,565,296, plus strand): 5'-AAGATACTCACGGACATTATGTGGCCAATTATCGCAAAGCTGGCCCGAGAGGAGATGGAT[C>T]GGGCTGTGGCTGAGGGTGAGTGGGAGGGAGGATGGCAACAGCTAAGGGGACAGTTAAGCT-3'
Protein context (NP_079509.5, residues 448-468): IAKLAREEMD[Arg458Trp]AVAEGKRVCV

ClinVar aggregate classification (germline): Uncertain significance. Review status: criteria provided, multiple submitters, no conflicts (2 of 4 stars). 2 submissions from 2 submitters: Uncertain significance (2). Last evaluated 2025-08-03.

Conditions:
Neurodegeneration with brain iron accumulation 6 (NBIA6). Also called: COASY protein-associated neurodegeneration. Identifiers: Orphanet 397725, MedGen C4517377, MONDO:0014290, OMIM 615643.

Allele frequency attached by ClinVar (database versions not stated): TOPMed 0.00001; gnomAD 0.00002; gnomAD exomes 0.00003 and 0.00004; ExAC 0.00004.

Submissions (2):

GeneDx
Classification: Uncertain significance. Last evaluated: 2025-08-03. Review status: criteria provided, single submitter. Criteria: GeneDx Variant Classification Process June 2021. Collection method: clinical testing. Allele origin: germline. Affected: yes.
Comment: Not observed at significant frequency in large population cohorts (gnomAD); In silico analysis supports that this missense variant has a deleterious effect on protein structure/function; Has not been previously published as pathogenic or benign to our knowledge

Labcorp Genetics (formerly Invitae), Labcorp
Classification: Uncertain significance for Neurodegeneration with brain iron accumulation 6. Last evaluated: 2024-02-17. Review status: criteria provided, single submitter. Criteria: Invitae Variant Classification Sherloc (09022015). Collection method: clinical testing. Allele origin: germline.
Comment: This sequence change replaces arginine, which is basic and polar, with tryptophan, which is neutral and slightly polar, at codon 458 of the COASY protein (p.Arg458Trp). This variant is present in population databases (rs745865351, gnomAD 0.01%). This variant has not been reported in the literature in individuals affected with COASY-related conditions. ClinVar contains an entry for this variant (Variation ID: 1304348). Advanced modeling of protein sequence and biophysical properties (such as structural, functional, and spatial information, amino acid conservation, physicochemical variation, residue mobility, and thermodynamic stability) performed at Invitae indicates that this missense variant is not expected to disrupt COASY protein function with a negative predictive value of 80%. In summary, the available evidence is currently insufficient to determine the role of this variant in disease. Therefore, it has been classified as a Variant of Uncertain Significance.